The following is an entry in ClinVar:

ClinVar aggregate classification (germline): Uncertain significance (1 of 4 stars; one submission).

Conditions:
Inborn genetic diseases. Identifiers: MedGen C0950123, MeSH D030342.

Submission:

Ambry Genetics
Classification: Uncertain significance for Inborn genetic diseases. Last evaluated: 2026-09-07. Review status: criteria provided, single submitter. Criteria: Ambry Variant Classification Scheme 2023. Collection method: clinical testing. Allele origin: germline.
Comment: The p.T161I variant (also known as c.482C>T), located in coding exon 5 of the PAX5 gene, results from a C to T substitution at nucleotide position 482. The threonine at codon 161 is replaced by isoleucine, an amino acid with similar properties. This amino acid position is conserved. In addition, this alteration is predicted to be deleterious by in silico analysis. Based on the available evidence, the clinical significance of this variant remains unclear.

NM_016734.3(PAX5):c.482C>T (p.Thr161Ile)

Genes: PAX5 (paired box 5; minus strand), LOC105376032 (uncharacterized LOC105376032; plus strand). Cytogenetic location: 9p13.2.
Variant type: single nucleotide variant.
Coding change: c.482C>T on transcript NM_016734.3 (MANE Select); coding-DNA position 482, C replaced by T.
Protein change: p.Thr161Ile; replaces threonine 161 with isoleucine.
Molecular consequence: missense variant. On other transcripts: non-coding transcript variant (4), intron variant (2).
Genome position (GRCh38, 1-based): chr9:37,002,770, G>A on the plus strand (C>T on the coding strand, the complement: PAX5 is on the minus strand). VCF-style: chr9-37002770-G-A. GRCh37 (hg19) VCF-style: chr9-37002767-G-A.
Other names: c.482C>T, p.Thr161Ile (NM_001280547.2, NM_001280548.2, NM_001280549.2 and 2 more transcripts); c.158C>T, p.Thr53Ile (NM_001280551.2, NM_001280556.2); c.284C>T, p.Thr95Ile (NM_001280555.2); c.475+3703C>T (NM_001280553.2, NM_001280554.2); short protein forms T95I, T161I, T53I.
Identifiers: ClinVar variation 5026321 (VCV005026321.1).